The following is an entry in ClinVar:

NC_000007.13:g.(73455582_73456943)_(73484238_?)del

Gene: ELN (elastin; plus strand). Cytogenetic location: 7q11.23.
Variant type: Deletion.
Identifiers: ClinVar variation 4847981 (VCV004847981.1).

ClinVar aggregate classification (germline): Pathogenic (1 of 4 stars; one submission).

Conditions:
Supravalvar aortic stenosis (SVAS). Also called: Supravalvar aortic stenosis, Eisenberg type. Identifiers: Orphanet 3193, MedGen C0003499, MONDO:0008504, OMIM 185500, HP:0004381.

Submission:

Women's Health and Genetics/Laboratory Corporation of America, LabCorp
Classification: Pathogenic for Supravalvar aortic stenosis. Last evaluated: 2026-02-09. Review status: criteria provided, single submitter. Criteria: LabCorp Variant Classification Summary - May 2015. Collection method: clinical testing. Allele origin: germline.
Comment: Variant summary: The variant involves the deletion of exons 6-34 in the ELN gene. A presumed nomenclature of c.(232+1_233-1)_(*1208_?)del has been designated for the purposes of this classification. The exact breakpoint at the distal 3' end of this variant is unknown, therefore this deletion may extend downstream of the annotated region of the gene. As it encompasses the termination codon, it is predicted to escape nonsense mediated decay (NMD). Loss-of-function variants in this gene are known to be pathogenic. The variant was absent in 21694 control chromosomes. c.(232+1_233-1)_(*1208_?)del has been observed in individuals affected with Supravalvar Aortic Stenosis (e.g. Hayano_2018). These data indicate that the variant is likely to be associated with disease. To our knowledge, no experimental evidence demonstrating an impact on protein function has been reported. The following publication has been ascertained in the context of this evaluation (PMID: 30228022). No submitters have cited clinical-significance assessments for this variant to ClinVar. Based on the evidence outlined above, the variant was classified as pathogenic.

Literature cited by the submitters: PubMed 30228022.